The following is an entry in ClinVar:

ClinVar aggregate classification (germline): Uncertain significance (1 of 4 stars; one submission).

Submission:

Labcorp Genetics (formerly Invitae), Labcorp
Classification: Uncertain significance. Last evaluated: 2022-06-05. Review status: criteria provided, single submitter. Criteria: Invitae Variant Classification Sherloc (09022015). Collection method: clinical testing. Allele origin: germline.
Comment: In summary, the available evidence is currently insufficient to determine the role of this variant in disease. Therefore, it has been classified as a Variant of Uncertain Significance. This sequence change replaces isoleucine, which is neutral and non-polar, with threonine, which is neutral and polar, at codon 25 of the ATAD1 protein (p.Ile25Thr). This variant is not present in population databases (gnomAD no frequency). This variant has not been reported in the literature in individuals affected with ATAD1-related conditions. ClinVar contains an entry for this variant (Variation ID: 1437327). Algorithms developed to predict the effect of missense changes on protein structure and function are either unavailable or do not agree on the potential impact of this missense change (SIFT: "Not Available"; PolyPhen-2: "Benign"; Align-GVGD: "Not Available").

NM_001321967.2(ATAD1):c.74T>C (p.Ile25Thr)

Gene: ATAD1 (ATPase family AAA domain containing 1; minus strand). Cytogenetic location: 10q23.31.
Variant type: single nucleotide variant.
Coding change: c.74T>C on transcript NM_001321967.2 (MANE Select); coding-DNA position 74, T replaced by C.
Protein change: p.Ile25Thr; replaces isoleucine 25 with threonine.
Molecular consequence: missense variant. On other transcripts: 5 prime UTR variant (1), non-coding transcript variant (1).
Genome position (GRCh38, 1-based): chr10:87,814,526, A>G on the plus strand (T>C on the coding strand, the complement: ATAD1 is on the minus strand). VCF-style: chr10-87814526-A-G. GRCh37 (hg19) VCF-style: chr10-89574283-A-G.
Other names: c.74T>C, p.Ile25Thr (NM_001321968.2, NM_032810.4); c.-374T>C (NM_001321969.2); short protein forms I25T.
Identifiers: ClinVar variation 1437327 (VCV001437327.8), dbSNP rs2132064725, ClinGen allele CA377783730.